The following is an entry in ClinVar:

ClinVar aggregate classification (germline): Conflicting classifications of pathogenicity. Review status: criteria provided, conflicting classifications (1 of 4 stars). 3 submissions from 3 submitters: Likely pathogenic (1); Uncertain significance (2). Last evaluated 2024-11-05.

Conditions:
Osteogenesis imperfecta (OI). Identifiers: Orphanet 666, MedGen C0029434, MeSH D010013, MONDO:0019019.

Allele frequency attached by ClinVar (database versions not stated): ExAC 0.00001; gnomAD 0.00001; gnomAD exomes 0.00002; TOPMed 0.00002.
gnomAD v4.1: 31 of 1,613,642 alleles (0.0019%); highest among the groups gnomAD compares: Non-Finnish European, 0.0025%; no homozygotes.

Submissions (3):

Labcorp Genetics (formerly Invitae), Labcorp
Classification: Likely pathogenic. Last evaluated: 2024-11-05. Review status: criteria provided, single submitter. Criteria: Invitae Variant Classification Sherloc (09022015). Collection method: clinical testing. Allele origin: germline.
Comment: This sequence change replaces arginine, which is basic and polar, with tryptophan, which is neutral and slightly polar, at codon 805 of the LRP5 protein (p.Arg805Trp). This variant is present in population databases (rs765952535, gnomAD 0.003%). This missense change has been observed in individual(s) with autosomal dominant exudative vitreoretinopathy and/or early onset osteoporosis (PMID: 19324841, 33118644). It has also been observed to segregate with disease in related individuals. ClinVar contains an entry for this variant (Variation ID: 1702015). Invitae Evidence Modeling of protein sequence and biophysical properties (such as structural, functional, and spatial information, amino acid conservation, physicochemical variation, residue mobility, and thermodynamic stability) has been performed for this missense variant. However, the output from this modeling did not meet the statistical confidence thresholds required to predict the impact of this variant on LRP5 protein function. In summary, the currently available evidence indicates that the variant is pathogenic, but additional data are needed to prove that conclusively. Therefore, this variant has been classified as Likely Pathogenic.

Blueprint Genetics
Classification: Uncertain significance. Last evaluated: 2023-12-27. Review status: criteria provided, single submitter. Criteria: ACMG Guidelines, 2015. Collection method: clinical testing. Allele origin: germline.

Genome Diagnostics Laboratory, The Hospital for Sick Children
Classification: Uncertain significance for Osteogenesis imperfecta. Last evaluated: 2022-03-16. Review status: criteria provided, single submitter. Criteria: ACMG Guidelines, 2015. Collection method: clinical testing. Allele origin: germline.

Literature cited by the submitters: PubMed 19324841 (cited by Labcorp Genetics (formerly Invitae), Labcorp); PubMed 33118644 (cited by Labcorp Genetics (formerly Invitae), Labcorp).

NM_002335.4(LRP5):c.2413C>T (p.Arg805Trp)

Gene: LRP5 (LDL receptor related protein 5; plus strand). Cytogenetic location: 11q13.2.
Variant type: single nucleotide variant.
Coding change: c.2413C>T on transcript NM_002335.4 (MANE Select); coding-DNA position 2413, C replaced by T.
Protein change: p.Arg805Trp; replaces arginine 805 with tryptophan.
Molecular consequence: missense variant.
Genome position (GRCh38, 1-based): chr11:68,411,530, C>T. VCF-style: chr11-68411530-C-T. GRCh37 (hg19) VCF-style: chr11-68178998-C-T.
Other names: c.670C>T, p.Arg224Trp (NM_001291902.2); short protein forms R224W, R805W.
Identifiers: ClinVar variation 1702015 (VCV001702015.9), dbSNP rs765952535, ClinGen allele CA6149629.